The following is an entry in ClinVar:

ClinVar aggregate classification (germline): Conflicting classifications of pathogenicity. Review status: criteria provided, conflicting classifications (1 of 4 stars). 2 submissions from 2 submitters: Uncertain significance (1); Likely benign (1). Last evaluated 2023-02-01.

Conditions:
Joubert syndrome 15 (JBTS15). Identifiers: Orphanet 475, MedGen C3280897, MONDO:0013763, OMIM 614464.

Allele frequency attached by ClinVar (database versions not stated): 1000 Genomes Project 30x 0.00109; 1000 Genomes Project 0.00140; TOPMed 0.00181; ExAC 0.00213; gnomAD 0.00214 and 0.00220; gnomAD exomes 0.00230 and 0.00255.
gnomAD v4.1: 1,096 of 450,278 alleles (0.24%); highest among the groups gnomAD compares: Non-Finnish European, 0.36%; 5 homozygotes.

Submissions (2):

CeGaT Center for Human Genetics Tuebingen
Classification: Likely benign. Last evaluated: 2023-02-01. Review status: criteria provided, single submitter. Criteria: CeGaT Center For Human Genetics Tuebingen Variant Classification Criteria Version 2. Collection method: clinical testing. Allele origin: germline. Affected: yes. Observed: 3 variant alleles.
Comment: CEP41: BS2

Illumina Laboratory Services, Illumina
Classification: Uncertain significance for Joubert syndrome 15. Last evaluated: 2018-01-12. Review status: criteria provided, single submitter. Criteria: ICSL Variant Classification Criteria 13 December 2019. Collection method: clinical testing. Allele origin: germline.

NM_018718.3(CEP41):c.*1974A>G

Gene: CEP41 (centrosomal protein 41; minus strand). Cytogenetic location: 7q32.2.
Variant type: single nucleotide variant.
Coding change: c.*1974A>G on transcript NM_018718.3 (MANE Select); 1974 bases downstream of the stop codon, A replaced by G.
Molecular consequence: 3 prime UTR variant. On other transcripts: non-coding transcript variant (1).
Genome position (GRCh38, 1-based): chr7:130,396,917, T>C on the plus strand (A>G on the coding strand, the complement: CEP41 is on the minus strand). VCF-style: chr7-130396917-T-C. GRCh37 (hg19) VCF-style: chr7-130036758-T-C.
Other names: c.*1974A>G (NM_001257158.2, NM_001257159.2).
Identifiers: ClinVar variation 910141 (VCV000910141.28), dbSNP rs185337247, ClinGen allele CA4485227.
Genomic context (GRCh38, chr7:130,396,917, plus strand): 5'-TTCCACATATATACAGTGGTTTCTAATACTCCAAAGTTGTCTGACGATGGGAACGCAGAA[T>C]CGGAACAAGGAGGGAAGACCATTTACTTTCAAAATAGAATCCGGCAGGGAAGTCTCAACT-3'